The following is an entry in ClinVar:

ClinVar aggregate classification (germline): Uncertain significance (1 of 4 stars; one submission).

Conditions:
Developmental delay with or without dysmorphic facies and autism. Identifiers: MedGen C5193106, MONDO:0032760, OMIM 618454.

gnomAD v4.1: 2 of 1,613,886 alleles (0.00012%); highest among the groups gnomAD compares: Non-Finnish European, 0.00017%; no homozygotes.

Submission:

Neuberg Centre For Genomic Medicine, NCGM
Classification: Uncertain significance for Developmental delay with or without dysmorphic facies and autism. Last evaluated: 2023-05-20. Review status: criteria provided, single submitter. Criteria: ACMG Guidelines, 2015. Collection method: clinical testing. Allele origin: germline. Inheritance: Autosomal dominant inheritance. Affected: yes.
Comment: The observed missense variant c.5054A>G(p.Glu1685Gly) in TRRAP gene has not been reported previously as a pathogenic variant nor as a benign variant, to our knowledge. The c.5054A>G variant is absent in gnomAD Exomes. The amino acid Glutamic acid at position 1685 is changed to a Glycine changing protein sequence and it might alter its composition and physico-chemical properties. Computational evidence (Polyphen, SIFT and MutationTaster) predicts conflicting evidence on protein structure and function for this variant. The amino acid change p.Glu1685Gly in TRRAP is predicted as conserved by GERP++ and PhyloP across 100 vertebrates. For these reasons, this variant has been classified as Uncertain Significance.

NM_001375524.1(TRRAP):c.5054A>G (p.Glu1685Gly)

Genes: TRRAP (transformation/transcription domain associated protein; plus strand), LOC126860121 (MED14-independent group 3 enhancer GRCh37_chr7:98547245-98548444; plus strand). Cytogenetic location: 7q22.1.
Variant type: single nucleotide variant.
Coding change: c.5054A>G on transcript NM_001375524.1 (MANE Select); coding-DNA position 5054, A replaced by G.
Protein change: p.Glu1685Gly; replaces glutamic acid 1685 with glycine.
Molecular consequence: missense variant.
Genome position (GRCh38, 1-based): chr7:98,949,760, A>G. VCF-style: chr7-98949760-A-G. GRCh37 (hg19) VCF-style: chr7-98547383-A-G.
Other names: c.5033A>G, p.Glu1678Gly (NM_001244580.2); c.4979A>G, p.Glu1660Gly (NM_003496.4); short protein forms E1660G, E1678G, E1685G.
Identifiers: ClinVar variation 3341303 (VCV003341303.1).
Genomic context (GRCh38, chr7:98,949,760, plus strand): 5'-CCAGCCAGCACTCTCTGGTGAGCCAGTTGCGACGTGTGTGGGTGAGTGAGAACTTCCAAG[A>G]GAGGCACCGCAAGGAGAACATGGCAGCCACCAACTGGAAGGAGCCCAAGCTGCTGGCCTA-3'
Protein context (NP_001362453.1, residues 1675-1695): RRVWVSENFQ[Glu1685Gly]RHRKENMAAT